The following is an entry in ClinVar:

NM_007194.4(CHEK2):c.14C>G (p.Ser5Trp)

Gene: CHEK2 (checkpoint kinase 2; minus strand). Cytogenetic location: 22q12.1.
Variant type: single nucleotide variant.
Coding change: c.14C>G on transcript NM_007194.4 (MANE Select); coding-DNA position 14, C replaced by G.
Protein change: p.Ser5Trp; replaces serine 5 with tryptophan.
Molecular consequence: missense variant.
Genome position (GRCh38, 1-based): chr22:28,734,708, G>C on the plus strand (C>G on the coding strand, the complement: CHEK2 is on the minus strand). VCF-style: chr22-28734708-G-C. GRCh37 (hg19) VCF-style: chr22-29130696-G-C.
Other names: c.14C>G, p.Ser5Trp (NM_001005735.3, NM_001349956.3, NM_145862.3); c.-764C>G (NM_001257387.3); short protein forms S5W.
Identifiers: ClinVar variation 483369 (VCV000483369.5), dbSNP rs201084748, ClinGen allele CA411092100.

ClinVar aggregate classification (germline): Uncertain significance (1 of 4 stars; one submission).

Conditions:
Hereditary cancer-predisposing syndrome. Also called: Neoplastic Syndromes, Hereditary; Tumor predisposition; Hereditary Cancer Syndrome; Hereditary neoplastic syndrome. Identifiers: Orphanet 140162, MedGen C0027672, MeSH D009386, MONDO:0015356.

Submission:

Ambry Genetics
Classification: Uncertain significance for Hereditary cancer-predisposing syndrome. Last evaluated: 2024-01-13. Review status: criteria provided, single submitter. Criteria: Ambry Variant Classification Scheme 2023. Collection method: clinical testing. Allele origin: germline.
Comment: The p.S5W variant (also known as c.14C>G), located in coding exon 1 of the CHEK2 gene, results from a C to G substitution at nucleotide position 14. The serine at codon 5 is replaced by tryptophan, an amino acid with highly dissimilar properties. This variant was not reported in population based cohorts in the following databases: Database of Single Nucleotide Polymorphisms (dbSNP), NHLBI Exome Sequencing Project (ESP), and 1000 Genomes Project. In the ESP, this variant was not observed in 6503 samples (13006 alleles) with coverage at this position. To date, this alteration has been detected with an allele frequency of approximately 0.001% (greater than 200000 alleles tested) in our clinical cohort. This amino acid position is poorly conserved in available vertebrate species. In addition, the in silico prediction for this alteration is inconclusive. Since supporting evidence is limited at this time, the clinical significance of this alteration remains unclear.